The following is an entry in ClinVar:

NM_000093.5(COL5A1):c.5318A>G (p.Glu1773Gly)

Genes: COL5A1 (collagen type V alpha 1 chain; plus strand), LOC101448202 (uncharacterized LOC101448202; minus strand). Cytogenetic location: 9q34.3.
Variant type: single nucleotide variant.
Coding change: c.5318A>G on transcript NM_000093.5 (MANE Select); coding-DNA position 5318, A replaced by G.
Protein change: p.Glu1773Gly; replaces glutamic acid 1773 with glycine.
Molecular consequence: missense variant.
Genome position (GRCh38, 1-based): chr9:134,835,152, A>G. VCF-style: chr9-134835152-A-G. GRCh37 (hg19) VCF-style: chr9-137726998-A-G.
Other names: c.5318A>G, p.Glu1773Gly (NM_001278074.1); short protein forms E1773G.
Identifiers: ClinVar variation 2900402 (VCV002900402.3), dbSNP rs2490930888, ClinGen allele CA375460849.

ClinVar aggregate classification (germline): Uncertain significance (1 of 4 stars; one submission).

Conditions:
Ehlers-Danlos syndrome, classic type, 1 (EDSCL1). Also called: EDS I; EHLERS-DANLOS SYNDROME, GRAVIS TYPE; EHLERS-DANLOS SYNDROME, SEVERE CLASSIC TYPE; Ehlers-Danlos syndrome, type 1; Ehlers-Danlos Syndrome, Classic Type, COL5A1-Related. Identifiers: MedGen C0268335, MONDO:0019567, OMIM 130000.

Submission:

Labcorp Genetics (formerly Invitae), Labcorp
Classification: Uncertain significance for Ehlers-Danlos syndrome, classic type, 1. Last evaluated: 2023-11-16. Review status: criteria provided, single submitter. Criteria: Invitae Variant Classification Sherloc (09022015). Collection method: clinical testing. Allele origin: germline.
Comment: This sequence change replaces glutamic acid, which is acidic and polar, with glycine, which is neutral and non-polar, at codon 1773 of the COL5A1 protein (p.Glu1773Gly). This variant is not present in population databases (gnomAD no frequency). This variant has not been reported in the literature in individuals affected with COL5A1-related conditions. Advanced modeling of protein sequence and biophysical properties (such as structural, functional, and spatial information, amino acid conservation, physicochemical variation, residue mobility, and thermodynamic stability) has been performed at Invitae for this missense variant, however the output from this modeling did not meet the statistical confidence thresholds required to predict the impact of this variant on COL5A1 protein function. In summary, the available evidence is currently insufficient to determine the role of this variant in disease. Therefore, it has been classified as a Variant of Uncertain Significance.